The following is an entry in ClinVar:

ClinVar aggregate classification (germline): Uncertain significance (1 of 4 stars; one submission).

gnomAD v4.1: 2 of 1,613,876 alleles (0.00012%); highest among the groups gnomAD compares: South Asian, 0.0011%; no homozygotes.

Submission:

GeneDx
Classification: Uncertain significance. Last evaluated: 2026-04-29. Review status: criteria provided, single submitter. Criteria: GeneDx Variant Classification Process June 2021. Collection method: clinical testing. Allele origin: germline.
Comment: Not observed at significant frequency in large population cohorts (gnomAD); In silico analysis suggests that this missense variant does not alter protein structure/function; Has not been previously published as pathogenic or benign to our knowledge

NM_000138.5(FBN1):c.6789G>A (p.Met2263Ile)

Gene: FBN1 (fibrillin 1; minus strand). Cytogenetic location: 15q21.1.
Variant type: single nucleotide variant.
Coding change: c.6789G>A on transcript NM_000138.5 (MANE Select); coding-DNA position 6789, G replaced by A.
Protein change: p.Met2263Ile; replaces methionine 2263 with isoleucine.
Molecular consequence: missense variant.
Genome position (GRCh38, 1-based): chr15:48,430,753, C>T on the plus strand (G>A on the coding strand, the complement: FBN1 is on the minus strand). VCF-style: chr15-48430753-C-T. GRCh37 (hg19) VCF-style: chr15-48722950-C-T.
Other names: c.6789G>A, p.Met2263Ile (NM_001406716.1); short protein forms M2263I.
Identifiers: ClinVar variation 4086332 (VCV004086332.2).
Genomic context (GRCh38, chr15:48,430,753, plus strand): 5'-TCTCCGCTGATACCCGGGTCCACAGATGCACATATATGTGCCAATGAGGTTCTTGCATTC[C>T]ATTTGTTTTTCAGTACAGTCATGTTTTCCCTCTTCACACTCATCCTCATCTGTAAAAAAT-3'
Protein context (NP_000129.3, residues 2253-2273): EGKHDCTEKQ[Met2263Ile]ECKNLIGTYM